The following is an entry in ClinVar:

ClinVar aggregate classification (germline): Uncertain significance (1 of 4 stars; one submission).

Conditions:
Exostoses, multiple, type 2 (EXT2). Also called: Hereditary Multiple Osteochondromatosis, Type II; EXOSTOSES, MULTIPLE, TYPE II. Identifiers: Orphanet 321, MedGen C1851413, MONDO:0007586, OMIM 133701.

Allele frequency attached by ClinVar (database versions not stated): ExAC 0.00001; gnomAD 0.00001; gnomAD exomes 0.00001 and 0.00003; TOPMed 0.00002.
gnomAD v4.1: 23 of 1,613,824 alleles (0.0014%); highest among the groups gnomAD compares: Admixed American, 0.005%; no homozygotes.

Submission:

Labcorp Genetics (formerly Invitae), Labcorp
Classification: Uncertain significance for Exostoses, multiple, type 2. Last evaluated: 2026-01-19. Review status: criteria provided, single submitter. Criteria: Invitae Variant Classification Sherloc (09022015). Collection method: clinical testing. Allele origin: germline.
Comment: This sequence change replaces arginine, which is basic and polar, with tryptophan, which is neutral and slightly polar, at codon 506 of the EXT2 protein (p.Arg506Trp). This variant is present in population databases (rs750549318, gnomAD 0.009%). This variant has not been reported in the literature in individuals affected with EXT2-related conditions. ClinVar contains an entry for this variant (Variation ID: 1369368). Invitae Evidence Modeling of protein sequence and biophysical properties (such as structural, functional, and spatial information, amino acid conservation, physicochemical variation, residue mobility, and thermodynamic stability) indicates that this missense variant is not expected to disrupt EXT2 protein function with a negative predictive value of 95%. In summary, the available evidence is currently insufficient to determine the role of this variant in disease. Therefore, it has been classified as a Variant of Uncertain Significance.

NM_207122.2(EXT2):c.1516C>T (p.Arg506Trp)

Gene: EXT2 (exostosin glycosyltransferase 2; plus strand). Cytogenetic location: 11p11.2.
Variant type: single nucleotide variant.
Coding change: c.1516C>T on transcript NM_207122.2 (MANE Select); coding-DNA position 1516, C replaced by T.
Protein change: p.Arg506Trp; replaces arginine 506 with tryptophan.
Molecular consequence: missense variant.
Genome position (GRCh38, 1-based): chr11:44,206,813, C>T. VCF-style: chr11-44206813-C-T. GRCh37 (hg19) VCF-style: chr11-44228363-C-T.
Other names: c.1615C>T, p.Arg539Trp (NM_000401.3); c.1546C>T, p.Arg516Trp (NM_001178083.3); c.1516C>T, p.Arg506Trp (NM_001389628.1, NM_001389630.1); short protein forms R506W, R516W, R539W.
Identifiers: ClinVar variation 1369368 (VCV001369368.8), dbSNP rs750549318, ClinGen allele CA5955284.